The following is an entry in ClinVar:

ClinVar aggregate classification (germline): Uncertain significance (1 of 4 stars; one submission).

Conditions:
Hereditary cancer-predisposing syndrome. Also called: Neoplastic Syndromes, Hereditary; Tumor predisposition; Hereditary Cancer Syndrome; Hereditary neoplastic syndrome. Identifiers: Orphanet 140162, MedGen C0027672, MeSH D009386, MONDO:0015356.

gnomAD v4.1: 2 of 1,613,896 alleles (0.00012%); highest among the groups gnomAD compares: Non-Finnish European, 0.00017%; no homozygotes.

Submission:

Ambry Genetics
Classification: Uncertain significance for Hereditary cancer-predisposing syndrome. Last evaluated: 2024-10-14. Review status: criteria provided, single submitter. Criteria: Ambry Variant Classification Scheme 2023. Collection method: clinical testing. Allele origin: germline.
Comment: The p.V32L variant (also known as c.94G>C), located in coding exon 2 of the RAD51D gene, results from a G to C substitution at nucleotide position 94. The valine at codon 32 is replaced by leucine, an amino acid with highly similar properties. This amino acid position is conserved. In addition, this alteration is predicted to be tolerated by in silico analysis. Based on the available evidence, the clinical significance of this variant remains unclear.

NM_002878.4(RAD51D):c.94G>C (p.Val32Leu)

Genes: RAD51L3-RFFL (RAD51L3-RFFL readthrough; minus strand), RAD51D (RAD51 paralog D; minus strand). Cytogenetic location: 17q12.
Variant type: single nucleotide variant.
Coding change: c.94G>C on transcript NM_002878.4 (MANE Select); coding-DNA position 94, G replaced by C.
Protein change: p.Val32Leu; replaces valine 32 with leucine.
Molecular consequence: missense variant. On other transcripts: non-coding transcript variant (2).
Genome position (GRCh38, 1-based): chr17:35,119,161, C>G on the plus strand (G>C on the coding strand, the complement: RAD51D is on the minus strand). VCF-style: chr17-35119161-C-G. GRCh37 (hg19) VCF-style: chr17-33446180-C-G.
Other names: c.94G>C, p.Val32Leu (NM_001142571.2, NM_133629.3); short protein forms V32L.
Identifiers: ClinVar variation 3429749 (VCV003429749.1).